The following is an entry in ClinVar:

ClinVar aggregate classification (germline): Uncertain significance (1 of 4 stars; one submission).

Conditions:
Duchenne muscular dystrophy (DMD). Also called: MUSCULAR DYSTROPHY, PSEUDOHYPERTROPHIC PROGRESSIVE, DUCHENNE TYPE; Duchenne Muscular Dystrophy (DMD). Identifiers: Orphanet 98896, MedGen C0013264, MONDO:0010679, OMIM 310200.

Submission:

Labcorp Genetics (formerly Invitae), Labcorp
Classification: Uncertain significance for Duchenne muscular dystrophy. Last evaluated: 2024-10-17. Review status: criteria provided, single submitter. Criteria: Invitae Variant Classification Sherloc (09022015). Collection method: clinical testing. Allele origin: germline.
Comment: This sequence change replaces isoleucine, which is neutral and non-polar, with asparagine, which is neutral and polar, at codon 2506 of the DMD protein (p.Ile2506Asn). This variant is not present in population databases (gnomAD no frequency). This variant has not been reported in the literature in individuals affected with DMD-related conditions. ClinVar contains an entry for this variant (Variation ID: 1360608). Invitae Evidence Modeling of protein sequence and biophysical properties (such as structural, functional, and spatial information, amino acid conservation, physicochemical variation, residue mobility, and thermodynamic stability) indicates that this missense variant is not expected to disrupt DMD protein function with a negative predictive value of 95%. In summary, the available evidence is currently insufficient to determine the role of this variant in disease. Therefore, it has been classified as a Variant of Uncertain Significance.

NM_004006.3(DMD):c.7517T>A (p.Ile2506Asn)

Gene: DMD (dystrophin; minus strand). Cytogenetic location: Xp21.1.
Variant type: single nucleotide variant.
Coding change: c.7517T>A on transcript NM_004006.3 (MANE Select); coding-DNA position 7517, T replaced by A.
Protein change: p.Ile2506Asn; replaces isoleucine 2506 with asparagine.
Molecular consequence: missense variant.
Genome position (GRCh38, 1-based): chrX:31,773,985, A>T on the plus strand (T>A on the coding strand, the complement: DMD is on the minus strand). VCF-style: chrX-31773985-A-T. GRCh37 (hg19) VCF-style: chrX-31792102-A-T.
Other names: c.7493T>A, p.Ile2498Asn (NM_000109.4); c.7505T>A, p.Ile2502Asn (NM_004009.3); c.7148T>A, p.Ile2383Asn (NM_004010.3); c.3494T>A, p.Ile1165Asn (NM_004011.4); c.3485T>A, p.Ile1162Asn (NM_004012.4); c.137T>A, p.Ile46Asn (NM_004013.3, NM_004020.4, NM_004021.3 and 2 more transcripts); short protein forms I1162N, I2383N, I2498N, I2506N, I46N, I1165N, I2502N.
Identifiers: ClinVar variation 1360608 (VCV001360608.6), dbSNP rs2149244553, ClinGen allele CA412658691.